The following is an entry in ClinVar:

NM_004304.5(ALK):c.3733T>G (p.Phe1245Val)

Gene: ALK (ALK receptor tyrosine kinase; minus strand). Cytogenetic location: 2p23.2.
Variant type: single nucleotide variant.
Coding change: c.3733T>G on transcript NM_004304.5 (MANE Select); coding-DNA position 3733, T replaced by G.
Protein change: p.Phe1245Val; replaces phenylalanine 1245 with valine.
Molecular consequence: missense variant.
Genome position (GRCh38, 1-based): chr2:29,213,994, A>C on the plus strand (T>G on the coding strand, the complement: ALK is on the minus strand). VCF-style: chr2-29213994-A-C. GRCh37 (hg19) VCF-style: chr2-29436860-A-C.
Other names: c.529T>G, p.Phe177Val (NM_001353765.2); short protein forms F1245V, F177V.
Identifiers: ClinVar variation 65671 (VCV000065671.6), dbSNP rs281864720, ClinGen allele CA345003.

ClinVar aggregate classification (germline): Likely pathogenic. Review status: criteria provided, single submitter (1 of 4 stars). 2 submissions from 2 submitters: Likely pathogenic (1). 1 of the submissions does not count toward it. Last evaluated 2023-04-04.
ClinVar aggregate classification (somatic clinical impact): Tier I - Strong (1 of 4 stars; one submission).

Conditions:
ALK-related disorder. Also called: ALK-related condition.
Neuroblastoma, susceptibility to, 3. Also called: ALK-Related Neuroblastic Tumor Susceptibility. Identifiers: Orphanet 635, MedGen C2751681, MONDO:0013083, OMIM 613014.
Neuroblastoma (NB). Identifiers: Orphanet 635, MedGen C0027819, MeSH D009447, MONDO:0005072, HP:0003006.

Submissions (3):

Institute for Genomic Medicine (IGM) Clinical Laboratory, Nationwide Children's Hospital
Classification: Tier I - Strong for Neuroblastoma. Assertion type: diagnostic. Clinical significance: supports diagnosis. Last evaluated: 2024-07-01. Review status: criteria provided, single submitter. Criteria: AMP/ASCO/CAP Guidelines, 2017. Collection method: clinical testing. Allele origin: somatic. Affected: yes.
Comment: Variant has Tier I (strong) clinical significance as a diagnostic inclusion criterion in neuroblastoma, based on the following evidence: 1) Documented in one or more cancer databases (e.g., St. Jude Pecan, COSMIC, CIViC, OncoKB). 2) Appears in one or more well-established professional guidelines (e.g., World Health Organization [WHO]; National Comprehensive Cancer Network [NCCN]) as providing diagnostic, prognostic, or therapeutic information. 3) Information in the literature supports potential biologic effect of variant (PMID: 25517749). 4) Diagnostic for a specific tumor type/classification based on well-powered studies with expert-level consensus (Evidence Level B; PMIDs: 21632861, 23334666, 18923523, 18923524, 25517749, 34250410).

Blueprint Genetics
Classification: Likely pathogenic for ALK-related disorders. Last evaluated: 2023-04-04. Review status: criteria provided, single submitter. Criteria: ACMG Guidelines, 2015. Collection method: clinical testing. Allele origin: germline. Affected: yes. Observed: 1 variant allele.

GeneReviews
No classification provided. Condition: Neuroblastoma, susceptibility to, 3. Review status: no classification provided. Collection method: literature only. Allele origin: germline. Not counted in ClinVar's aggregate classification.

Literature cited by the submitters: PubMed 25517749 (cited by Institute for Genomic Medicine (IGM) Clinical Laboratory, Nationwide Children's Hospital); PubMed 21632861 (cited by Institute for Genomic Medicine (IGM) Clinical Laboratory, Nationwide Children's Hospital); PubMed 23334666 (cited by Institute for Genomic Medicine (IGM) Clinical Laboratory, Nationwide Children's Hospital); PubMed 18923523 (cited by Institute for Genomic Medicine (IGM) Clinical Laboratory, Nationwide Children's Hospital); PubMed 18923524 (cited by Institute for Genomic Medicine (IGM) Clinical Laboratory, Nationwide Children's Hospital); PubMed 34250410 (cited by Institute for Genomic Medicine (IGM) Clinical Laboratory, Nationwide Children's Hospital); NCBI Bookshelf NBK24599 (cited by GeneReviews); PubMed 21972109 (cited by GeneReviews).